The following is an entry in ClinVar:

NM_006261.5(PROP1):c.642G>A (p.Met214Ile)

Gene: PROP1 (PROP paired-like homeobox 1; minus strand). Cytogenetic location: 5q35.3.
Variant type: single nucleotide variant.
Coding change: c.642G>A on transcript NM_006261.5 (MANE Select); coding-DNA position 642, G replaced by A.
Protein change: p.Met214Ile; replaces methionine 214 with isoleucine.
Molecular consequence: missense variant.
Genome position (GRCh38, 1-based): chr5:177,992,748, C>T on the plus strand (G>A on the coding strand, the complement: PROP1 is on the minus strand). VCF-style: chr5-177992748-C-T. GRCh37 (hg19) VCF-style: chr5-177419749-C-T.
Other names: short protein forms M214I.
Identifiers: ClinVar variation 4073481 (VCV004073481.2).

ClinVar aggregate classification (germline): Uncertain significance. Review status: criteria provided, single submitter (1 of 4 stars). 2 submissions from 2 submitters: Uncertain significance (1). 1 of the submissions does not count toward it. Last evaluated 2025-12-18.

Conditions:
Pituitary hormone deficiency, combined, 2. Also called: ATELIOTIC DWARFISM WITH HYPOGONADISM; HANHART DWARFISM; PITUITARY DWARFISM III; PROP1-Related Combined Pituitary Hormone Deficiency. Identifiers: MedGen C0878683, MONDO:0009878, OMIM 262600.

Submissions (2):

Myriad Genetics, Inc.
Classification: Uncertain significance for Pituitary hormone deficiency, combined, 2. Last evaluated: 2025-12-18. Review status: criteria provided, single submitter. Criteria: Myriad Autosomal Dominant, Autosomal Recessive and X-Linked Classification Criteria (2023). Collection method: clinical testing. Allele origin: unknown.
Comment: NM_006261.4(PROP1):c.642G>A(M214I) is a missense variant classified as a variant of uncertain significance in the context of combined pituitary hormone deficiency, PROP1-related. M214I has not been observed in cases with relevant disease. Relevant functional assessments of this variant are not available in the literature. M214I has not been observed in referenced population frequency databases. In summary, there is insufficient evidence to classify NM_006261.4(PROP1):c.642G>A(M214I) as pathogenic or benign. Please note: this variant was assessed in the context of healthy population screening.

Dr Mariam's Lab, University of the Punjab
Classification: Likely pathogenic for Pituitary hormone deficiency, combined, 2. Review status: no assertion criteria provided. Collection method: research. Allele origin: germline. Affected: yes. Not counted in ClinVar's aggregate classification.